The following is an entry in ClinVar:

NM_033087.4(ALG2):c.107C>T (p.Ala36Val)

Gene: ALG2 (ALG2 alpha-1,3/1,6-mannosyltransferase; minus strand). Cytogenetic location: 9q22.33.
Variant type: single nucleotide variant.
Coding change: c.107C>T on transcript NM_033087.4 (MANE Select); coding-DNA position 107, C replaced by T.
Protein change: p.Ala36Val; replaces alanine 36 with valine.
Molecular consequence: missense variant. On other transcripts: non-coding transcript variant (1).
Genome position (GRCh38, 1-based): chr9:99,221,788, G>A on the plus strand (C>T on the coding strand, the complement: ALG2 is on the minus strand). VCF-style: chr9-99221788-G-A. GRCh37 (hg19) VCF-style: chr9-101984070-G-A.
Other names: short protein forms A36V.
Identifiers: ClinVar variation 966199 (VCV000966199.10), dbSNP rs567637718, ClinGen allele CA5156486.

ClinVar aggregate classification (germline): Uncertain significance. Review status: criteria provided, multiple submitters, no conflicts (2 of 4 stars). 2 submissions from 2 submitters: Uncertain significance (2). Last evaluated 2023-10-24.

Conditions:
Inborn genetic diseases. Identifiers: MedGen C0950123, MeSH D030342.
Congenital myasthenic syndrome 14. Also called: Myasthenic syndrome, congenital, 14, with tubular aggregates. Identifiers: Orphanet 353327, Orphanet 590, MedGen C4015597, MONDO:0014543, OMIM 616228.
Congenital disorder of glycosylation, type Ii. Also called: CDG Ii; ALG2-congenital disorder of glycosylation; ALG2-CDG. Identifiers: Orphanet 79326, MedGen C1842836, MONDO:0011933, OMIM 607906.

Allele frequency attached by ClinVar (database versions not stated): gnomAD 0.00002 and 0.00001; 1000 Genomes Project 0.00020; gnomAD exomes 0.00001; TOPMed 0.00001; 1000 Genomes Project 30x 0.00016; ExAC 0.00001.

Submissions (2):

Ambry Genetics
Classification: Uncertain significance for Inborn genetic diseases. Last evaluated: 2023-10-24. Review status: criteria provided, single submitter. Criteria: Ambry Variant Classification Scheme 2023. Collection method: clinical testing. Allele origin: germline.

Labcorp Genetics (formerly Invitae), Labcorp
Classification: Uncertain significance for Congenital disorder of glycosylation, type Ii; Congenital myasthenic syndrome 14. Last evaluated: 2022-06-27. Review status: criteria provided, single submitter. Criteria: Invitae Variant Classification Sherloc (09022015). Collection method: clinical testing. Allele origin: germline.
Comment: This variant is not present in population databases (gnomAD no frequency). This sequence change replaces alanine, which is neutral and non-polar, with valine, which is neutral and non-polar, at codon 36 of the ALG2 protein (p.Ala36Val). This variant has not been reported in the literature in individuals affected with ALG2-related conditions. In summary, the available evidence is currently insufficient to determine the role of this variant in disease. Therefore, it has been classified as a Variant of Uncertain Significance. Algorithms developed to predict the effect of missense changes on protein structure and function (SIFT, PolyPhen-2, Align-GVGD) all suggest that this variant is likely to be disruptive. ClinVar contains an entry for this variant (Variation ID: 966199).